The following is an entry in ClinVar:

NM_000218.3(KCNQ1):c.377A>T (p.His126Leu)

Gene: KCNQ1 (potassium voltage-gated channel subfamily Q member 1; plus strand). Cytogenetic location: 11p15.5.
Variant type: single nucleotide variant.
Coding change: c.377A>T on transcript NM_000218.3 (MANE Select); coding-DNA position 377, A replaced by T.
Protein change: p.His126Leu; replaces histidine 126 with leucine.
Molecular consequence: missense variant.
Genome position (GRCh38, 1-based): chr11:2,445,475, A>T. VCF-style: chr11-2445475-A-T. GRCh37 (hg19) VCF-style: chr11-2466705-A-T.
Other names: p.H126L:CAC>CTC; short protein forms H126L.
Identifiers: ClinVar variation 200911 (VCV000200911.11), dbSNP rs794728579, ClinGen allele CA006910.

ClinVar aggregate classification (germline): Conflicting classifications of pathogenicity. Review status: criteria provided, conflicting classifications (1 of 4 stars). 3 submissions from 3 submitters: Likely pathogenic (1); Uncertain significance (2). Last evaluated 2024-07-08.

Conditions:
Long QT syndrome (LQTS). Identifiers: MedGen C0023976, MeSH D008133, MONDO:0002442. Disease mechanism: loss of function. Inheritance: Various modes of inheritance.

Allele frequency attached by ClinVar (database versions not stated): gnomAD exomes below 0.00001.
gnomAD v4.1: 2 of 1,595,166 alleles (0.00013%); no homozygotes.

Submissions (3):

Blueprint Genetics
Classification: Uncertain significance. Last evaluated: 2024-07-08. Review status: criteria provided, single submitter. Criteria: ACMG Guidelines, 2015. Collection method: clinical testing. Allele origin: germline.

Labcorp Genetics (formerly Invitae), Labcorp
Classification: Uncertain significance for Long QT syndrome. Last evaluated: 2017-09-27. Review status: criteria provided, single submitter. Criteria: Invitae Variant Classification Sherloc (09022015). Collection method: clinical testing. Allele origin: germline.
Comment: Algorithms developed to predict the effect of missense changes on protein structure and function (SIFT, PolyPhen-2, Align-GVGD) all suggest that this variant is likely to be disruptive, but these predictions have not been confirmed by published functional studies and their clinical significance is uncertain. This variant identified in the KCNQ1 gene is located in the transmembrane S1 region of the resulting protein (PMID: 19841300, 25348405). It is unclear how this variant impacts the function of this protein. In summary, the available evidence is currently insufficient to determine the role of this variant in disease. Therefore, it has been classified as a Variant of Uncertain Significance. This variant has not been reported in the literature in individuals with KCNQ1-related disease. ClinVar contains an entry for this variant (Variation ID: 200911). This variant is not present in population databases (ExAC no frequency). This sequence change replaces histidine with leucine at codon 126 of the KCNQ1 protein (p.His126Leu). The histidine residue is highly conserved and there is a moderate physicochemical difference between histidine and leucine.

GeneDx
Classification: Likely pathogenic. Last evaluated: 2011-08-25. Review status: criteria provided, single submitter. Criteria: GeneDx Variant Classification (06012015). Collection method: clinical testing. Allele origin: germline. Affected: yes.
Comment: This missense change is denoted His126Leu (aka H126L) at the protein level and c.377 A>T at the cDNA level. The His126Leu variant in the KCNQ1 gene has not been reported previously as a disease-causing mutation nor as a benign polymorphism, to our knowledge. His126Leu results in a non-conservative amino acid substitution of a positively charged Histidine with a non-polar Leucine at a residue that is conserved across species. As a result, in silico analysis predicts His126Leu is probably damaging to the protein structure/function (Adzhubei IA et al., 2010, Schwarz JM et al., 2011). In addition, mutations in nearby codons (Cys122Tyr, Phe127Leu) have been reported in association with LQTS, supporting the functional importance of this region of the protein. Furthermore, the His126Leu variant was not detected in 470 alleles from control individuals of various ethnic backgrounds tested at GeneDx, indicating it is not a common benign variant. In summary, while the His126Leu variant is a good candidate for a disease-causing mutation, we cannot unequivocally determine the clinical significance of this variant with the clinical and molecular information available at this time. The variant is found in LQT panel(s).

Literature cited by the submitters: PubMed 19841300 (cited by Labcorp Genetics (formerly Invitae), Labcorp); PubMed 25348405 (cited by Labcorp Genetics (formerly Invitae), Labcorp).